The following is an entry in ClinVar:

NM_001844.5(COL2A1):c.827G>T (p.Gly276Val)

Gene: COL2A1 (collagen type II alpha 1 chain; minus strand). Cytogenetic location: 12q13.11.
Variant type: single nucleotide variant.
Coding change: c.827G>T on transcript NM_001844.5 (MANE Select); coding-DNA position 827, G replaced by T.
Protein change: p.Gly276Val; replaces glycine 276 with valine.
Molecular consequence: missense variant.
Genome position (GRCh38, 1-based): chr12:47,994,037, C>A on the plus strand (G>T on the coding strand, the complement: COL2A1 is on the minus strand). VCF-style: chr12-47994037-C-A. GRCh37 (hg19) VCF-style: chr12-48387820-C-A.
Other names: c.620G>T, p.Gly207Val (NM_033150.3); short protein forms G276V, G207V.
Identifiers: ClinVar variation 3645012 (VCV003645012.2).
Genomic context (GRCh38, chr12:47,994,037, plus strand): 5'-TCACCCGTGATACTTACTCTGTGACCTTTGACACCAGGAAGGCCTGGGGTTCCTGGGAAA[C>A]CACGAGCACCCTGCAATCCAAAGTGGAGGTGTTCAGAGCACAGAGTAAAATAACAGTGGA-3'
Protein context (NP_001835.3, residues 266-286): RGPPGPQGAR[Gly276Val]FPGTPGLPGV

ClinVar aggregate classification (germline): Likely pathogenic (1 of 4 stars; one submission).

Submission:

Labcorp Genetics (formerly Invitae), Labcorp
Classification: Likely pathogenic. Last evaluated: 2024-04-15. Review status: criteria provided, single submitter. Criteria: Invitae Variant Classification Sherloc (09022015). Collection method: clinical testing. Allele origin: germline.
Comment: This sequence change replaces glycine, which is neutral and non-polar, with valine, which is neutral and non-polar, at codon 276 of the COL2A1 protein (p.Gly276Val). This variant is not present in population databases (gnomAD no frequency). This variant has not been reported in the literature in individuals affected with COL2A1-related conditions. Advanced modeling of protein sequence and biophysical properties (such as structural, functional, and spatial information, amino acid conservation, physicochemical variation, residue mobility, and thermodynamic stability) performed at Invitae indicates that this missense variant is expected to disrupt COL2A1 protein function with a positive predictive value of 95%. This variant disrupts the triple helix domain of COL2A1. Glycine residues within the Gly-Xaa-Yaa repeats of the triple helix domain are required for the structure and stability of fibrillar collagens (PMID: 7695699, 8218237, 19344236). In COL2A1, variants affecting these glycine residues are significantly enriched in individuals with disease (PMID: 9016532, 17078022) compared to the general population (ExAC). In summary, the currently available evidence indicates that the variant is pathogenic, but additional data are needed to prove that conclusively. Therefore, this variant has been classified as Likely Pathogenic.

Literature cited by the submitters: PubMed 7695699; PubMed 8218237; PubMed 19344236; PubMed 9016532; PubMed 17078022.